The following is an entry in ClinVar:

NM_133510.4(RAD51B):c.695A>T (p.Asn232Ile)

Gene: RAD51B (RAD51 paralog B; plus strand). Cytogenetic location: 14q24.1.
Variant type: single nucleotide variant.
Coding change: c.695A>T on transcript NM_133510.4 (MANE Select); coding-DNA position 695, A replaced by T.
Protein change: p.Asn232Ile; replaces asparagine 232 with isoleucine.
Molecular consequence: missense variant.
Genome position (GRCh38, 1-based): chr14:67,887,143, A>T. VCF-style: chr14-67887143-A-T. GRCh37 (hg19) VCF-style: chr14-68353860-A-T.
Other names: c.695A>T, p.Asn232Ile (NM_001321809.2, NM_001321810.2, NM_001321812.1 and 6 more transcripts); c.581A>T, p.Asn194Ile (NM_001321815.1); c.338A>T, p.Asn113Ile (NM_001321817.2); short protein forms N194I, N232I, N113I.
Identifiers: ClinVar variation 4575319 (VCV004575319.1).

ClinVar aggregate classification (germline): Uncertain significance (1 of 4 stars; one submission).

Submission:

Ambry Genetics
Classification: Uncertain significance. Last evaluated: 2025-11-17. Review status: criteria provided, single submitter. Criteria: Ambry Variant Classification Scheme 2023. Collection method: clinical testing. Allele origin: germline.
Comment: The p.N232I variant (also known as c.695A>T), located in coding exon 6 of the RAD51B gene, results from an A to T substitution at nucleotide position 695. The asparagine at codon 232 is replaced by isoleucine, an amino acid with dissimilar properties. This amino acid position is conserved. In addition, this alteration is predicted to be tolerated by in silico analysis. Based on the available evidence, the clinical significance of this variant remains unclear.